The following is an entry in ClinVar:

ClinVar aggregate classification (germline): Uncertain significance (1 of 4 stars; one submission).

Conditions:
Inborn genetic diseases. Identifiers: MedGen C0950123, MeSH D030342.

Submission:

Ambry Genetics
Classification: Uncertain significance for Inborn genetic diseases. Last evaluated: 2026-04-04. Review status: criteria provided, single submitter. Criteria: Ambry Variant Classification Scheme 2023. Collection method: clinical testing. Allele origin: germline.
Comment: The p.T1024S variant (also known as c.3071C>G), located in coding exon 13 of the BMPR2 gene, results from a C to G substitution at nucleotide position 3071. The threonine at codon 1024 is replaced by serine, an amino acid with similar properties. This amino acid position is conserved. In addition, the in silico prediction for this alteration is inconclusive. Based on the available evidence, the clinical significance of this variant remains unclear.

NM_001204.7(BMPR2):c.3071C>G (p.Thr1024Ser)

Gene: BMPR2 (bone morphogenetic protein receptor type 2; plus strand). Cytogenetic location: 2q33.2.
Variant type: single nucleotide variant.
Coding change: c.3071C>G on transcript NM_001204.7 (MANE Select); coding-DNA position 3071, C replaced by G.
Protein change: p.Thr1024Ser; replaces threonine 1024 with serine.
Molecular consequence: missense variant.
Genome position (GRCh38, 1-based): chr2:202,559,900, C>G. VCF-style: chr2-202559900-C-G. GRCh37 (hg19) VCF-style: chr2-203424623-C-G.
Other names: short protein forms T1024S.
Identifiers: ClinVar variation 4867594 (VCV004867594.1).
Genomic context (GRCh38, chr2:202,559,900, plus strand): 5'-GCAGTAACAGGGCAGTTCATTCCAAATCCAGCACTGCTGTTTACCTTGCAGAAGGAGGCA[C>G]TGCTACAACCATGGTGTCTAAAGATATAGGAATGAACTGTCTGTGAAATGTTTTCAAGCC-3'
Protein context (NP_001195.2, residues 1014-1034): STAVYLAEGG[Thr1024Ser]ATTMVSKDIG